The following is an entry in ClinVar:

NM_000368.5(TSC1):c.2001_2004del (p.Leu667fs)

Gene: TSC1 (TSC complex subunit 1; minus strand). Cytogenetic location: 9q34.13.
Variant type: Deletion.
Coding change: c.2001_2004del on transcript NM_000368.5 (MANE Select); coding-DNA positions 2001 to 2004, 4 bases deleted (GCCT; older notation c.2001_2004delGCCT).
Protein change: p.Leu667fs; shifts the reading frame from leucine 667.
Molecular consequence: frameshift variant.
Genome position (GRCh38, 1-based): chr9:132,904,448-132,904,451, AGGC deleted on the plus strand (GCCT on the coding strand, the reverse complement: TSC1 is on the minus strand); deleting any 4 consecutive bases within chr9:132,904,448-132,904,452 gives the same sequence; the c. name uses the placement nearest the transcript's 3' end. VCF-style (leftmost placement, unchanged base first): chr9-132904447-AAGGC-A. GRCh37 (hg19) VCF-style: chr9-135779834-AAGGC-A.
Other names: c.2001_2004delGCCT (NM_000368.4); c.1998_2001del, p.Leu666fs (NM_001162426.2); c.1848_1851del, p.Leu616fs (NM_001162427.2); c.1638_1641del, p.Leu546fs (NM_001362177.2); short protein forms L666fs, L616fs, L667fs, L546fs.
Identifiers: ClinVar variation 452172 (VCV000452172.2), dbSNP rs1554815476, ClinGen allele CA658656070.

ClinVar aggregate classification (germline): Pathogenic (1 of 4 stars; one submission).

Submission:

GeneDx
Classification: Pathogenic. Last evaluated: 2017-09-15. Review status: criteria provided, single submitter. Criteria: GeneDx Variant Classification (06012015). Collection method: clinical testing. Allele origin: germline. Affected: yes.
Comment: The c.2001_2004delGCCT pathogenic variant in the TSC1 gene causes a frameshift starting with codon Leucine 667, changes this amino acid to a Phenylalanine residue and creates a premature Stop codon at position 56 of the new reading frame, denoted p.Leu667PhefsX56. This pathogenic variant is predicted to cause loss of normal protein function either through protein truncation or nonsense-mediated mRNA decay. The c.2001_2004delGCCT variant is not observed in large population cohorts (Lek et al., 2016).